The following is an entry in ClinVar:

ClinVar aggregate classification (germline): Uncertain significance (1 of 4 stars; one submission).

Conditions:
Infantile myofibromatosis (IMF). Also called: Congenital generalized fibromatosis. Identifiers: Orphanet 2591, MedGen C0432284, MONDO:0016824.
Skeletal overgrowth-craniofacial dysmorphism-hyperelastic skin-white matter lesions syndrome. Also called: SKELETAL OVERGROWTH WITH FACIAL DYSMORPHISM, HYPERELASTIC SKIN, WHITE MATTER LESIONS, AND NEUROLOGIC DETERIORATION; Kosaki overgrowth syndrome. Identifiers: Orphanet 477831, MedGen C4225270, MONDO:0014704, OMIM 616592.
Acroosteolysis-keloid-like lesions-premature aging syndrome. Also called: Premature aging syndrome, Penttinen type; Prematurely aged appearance, delayed bone maturation, acro-osteolysis, and brachydactyly; Progeroid syndrome, Penttinen type. Identifiers: Orphanet 363665, MedGen C1866182, MONDO:0011150, OMIM 601812.
Basal ganglia calcification, idiopathic, 4 (PFBC4). Also called: Familial Idiopathic Basal Ganglia Calcification 4; PRIMARY FAMILIAL BRAIN CALCIFICATION 4, AUTOSOMAL DOMINANT. Identifiers: Orphanet 1980, MedGen C3554321, MONDO:0014004, OMIM 615007.

Submission:

Labcorp Genetics (formerly Invitae), Labcorp
Classification: Uncertain significance for Basal ganglia calcification, idiopathic, 4; Skeletal overgrowth-craniofacial dysmorphism-hyperelastic skin-white matter lesions syndrome; Infantile myofibromatosis; Acroosteolysis-keloid-like lesions-premature aging syndrome. Last evaluated: 2024-10-26. Review status: criteria provided, single submitter. Criteria: Invitae Variant Classification Sherloc (09022015). Collection method: clinical testing. Allele origin: germline.
Comment: This sequence change replaces valine, which is neutral and non-polar, with leucine, which is neutral and non-polar, at codon 761 of the PDGFRB protein (p.Val761Leu). This variant is not present in population databases (gnomAD no frequency). This variant has not been reported in the literature in individuals affected with PDGFRB-related conditions. Invitae Evidence Modeling of protein sequence and biophysical properties (such as structural, functional, and spatial information, amino acid conservation, physicochemical variation, residue mobility, and thermodynamic stability) indicates that this missense variant is not expected to disrupt PDGFRB protein function with a negative predictive value of 80%. In summary, the available evidence is currently insufficient to determine the role of this variant in disease. Therefore, it has been classified as a Variant of Uncertain Significance.

NM_002609.4(PDGFRB):c.2281G>C (p.Val761Leu)

Gene: PDGFRB (platelet derived growth factor receptor beta; minus strand). Cytogenetic location: 5q32.
Variant type: single nucleotide variant.
Coding change: c.2281G>C on transcript NM_002609.4 (MANE Select); coding-DNA position 2281, G replaced by C.
Protein change: p.Val761Leu; replaces valine 761 with leucine.
Molecular consequence: missense variant.
Genome position (GRCh38, 1-based): chr5:150,121,943, C>G on the plus strand (G>C on the coding strand, the complement: PDGFRB is on the minus strand). VCF-style: chr5-150121943-C-G. GRCh37 (hg19) VCF-style: chr5-149501506-C-G.
Other names: c.2089G>C, p.Val697Leu (NM_001355016.2); c.1798G>C, p.Val600Leu (NM_001355017.2); short protein forms V697L, V761L, V600L.
Identifiers: ClinVar variation 2939068 (VCV002939068.3), dbSNP rs747659448, ClinGen allele CA361762560.